The following is an entry in ClinVar:

ClinVar aggregate classification (germline): Uncertain significance (1 of 4 stars; one submission).

Conditions:
Genitopatellar syndrome (GTPTS). Also called: ABSENT PATELLAE, SCROTAL HYPOPLASIA, RENAL ANOMALIES, FACIAL DYSMORPHISM, AND MENTAL RETARDATION; Genitopatellar syndrome (GPS). Identifiers: Orphanet 85201, MedGen C1853566, MONDO:0011640, OMIM 606170.

Submission:

Labcorp Genetics (formerly Invitae), Labcorp
Classification: Uncertain significance for Genitopatellar syndrome. Last evaluated: 2025-01-27. Review status: criteria provided, single submitter. Criteria: Invitae Variant Classification Sherloc (09022015). Collection method: clinical testing. Allele origin: germline.
Comment: This variant, c.2007_2012del, results in the deletion of 2 amino acid(s) of the KAT6B protein (p.Lys669_Ile670del), but otherwise preserves the integrity of the reading frame. This variant is present in population databases (rs764612374, gnomAD 0.007%). This variant has not been reported in the literature in individuals affected with KAT6B-related conditions. Experimental studies and prediction algorithms are not available or were not evaluated, and the functional significance of this variant is currently unknown. In summary, the available evidence is currently insufficient to determine the role of this variant in disease. Therefore, it has been classified as a Variant of Uncertain Significance.

NM_012330.4(KAT6B):c.2001AATAAA[1] (p.Lys669_Ile670del)

Gene: KAT6B (lysine acetyltransferase 6B; plus strand). Cytogenetic location: 10q22.2.
Variant type: Microsatellite.
Coding change: c.2001AATAAA[1] on transcript NM_012330.4 (MANE Select); one copy of the 6-base unit AATAAA starting at c.2001; the reference has two copies in a row; one copy, 6 bases deleted.
Protein change: p.Lys669_Ile670del.
Molecular consequence: intron variant (on NM_001370133.1).
Genome position (GRCh38, 1-based): chr10:74,977,329-74,977,334, AATAAA deleted; deleting any 6 consecutive bases within chr10:74,977,322-74,977,334 gives the same sequence; the position shown is the placement nearest the transcript's 3' end. VCF-style (leftmost placement, unchanged base first): chr10-74977321-GAAATAA-G. GRCh37 (hg19) VCF-style: chr10-76737079-GAAATAA-G.
Other names: c.1452AATAAA[1], p.Lys486_Ile487del (NM_001256468.2, NM_001370138.1); c.1125AATAAA[1], p.Lys377_Ile378del (NM_001256469.2, NM_001370132.1, NM_001370139.1 and 3 more transcripts); c.2001AATAAA[1], p.Lys669_Ile670del (NM_001370136.1, NM_001370137.1); c.936AATAAA[1], p.Lys314_Ile315del (NM_001370143.1, NM_001370144.1); c.846+7554_846+7559del (NM_001370133.1); c.193-1895_193-1890del (NM_001370134.1); c.193-11690_193-11685del (NM_001370135.1).
Identifiers: ClinVar variation 3708623 (VCV003708623.2).